The following is an entry in ClinVar:

NM_001243133.2(NLRP3):c.1245C>T (p.Ile415=)

Gene: NLRP3 (NLR family pyrin domain containing 3; plus strand). Cytogenetic location: 1q44.
Variant type: single nucleotide variant.
Coding change: c.1245C>T on transcript NM_001243133.2 (MANE Select); coding-DNA position 1245, C replaced by T.
Protein change: p.Ile415=; no amino-acid change (isoleucine 415 retained).
Molecular consequence: synonymous variant.
Genome position (GRCh38, 1-based): chr1:247,424,694, C>T. VCF-style: chr1-247424694-C-T. GRCh37 (hg19) VCF-style: chr1-247587996-C-T.
Other names: c.1245C>T, p.Ile415= (NM_001079821.3, NM_001127461.3, NM_001127462.3 and 1 more transcripts); c.1251C>T, p.Ile417= (NM_004895.5).
Identifiers: ClinVar variation 296946 (VCV000296946.23), dbSNP rs139852370, ClinGen allele CA1495001.

ClinVar aggregate classification (germline): Conflicting classifications of pathogenicity. Review status: criteria provided, conflicting classifications (1 of 4 stars). 9 submissions from 7 submitters: Uncertain significance (1); Benign (2); Likely benign (5). 1 of the submissions does not count toward it. Last evaluated 2025-12-10.

Conditions:
Autoinflammatory syndrome. Identifiers: Orphanet 93665, MedGen C3890737, MONDO:0019751.
NLRP3-related disorder. Also called: NLRP3-Related Disorders; NLRP3-related condition.
Chronic infantile neurological, cutaneous and articular syndrome (CINCA). Also called: CHRONIC NEUROLOGIC CUTANEOUS AND ARTICULAR SYNDROME; CRYOPYRIN-ASSOCIATED PERIODIC SYNDROME 3; CINCA syndrome; Prieur Griscelli syndrome. Identifiers: Orphanet 1451, MedGen C0409818, MONDO:0011776, OMIM 607115.
Familial amyloid nephropathy with urticaria AND deafness (MWS). Also called: Urticaria, deafness and amyloidosis; CRYOPYRIN-ASSOCIATED PERIODIC SYNDROME 2; UDA SYNDROME; URTICARIA-DEAFNESS-AMYLOIDOSIS SYNDROME; MUCKLE-WELLS SYNDROME. Identifiers: Orphanet 575, MedGen C0268390, MONDO:0008633, OMIM 191900.
Familial cold autoinflammatory syndrome 1 (FCAS1). Also called: CRYOPYRIN-ASSOCIATED PERIODIC SYNDROME 1; Familial cold inflammatory syndrome 1. Identifiers: Orphanet 47045, MedGen C4551895, MONDO:0007349, OMIM 120100.
Cryopyrin associated periodic syndrome (CAPS). Identifiers: Orphanet 208650, MedGen C2316212, MONDO:0016168.

Allele frequency attached by ClinVar (database versions not stated): gnomAD exomes 0.00004 and 0.00008; ExAC 0.00007; ESP Exome Variant Server 0.00008; 1000 Genomes Project 0.00020; 1000 Genomes Project 30x 0.00031; TOPMed 0.00043; gnomAD 0.00044 and 0.00045.
gnomAD v4.1: 132 of 1,614,224 alleles (0.0082%); highest among the groups gnomAD compares: African/African-American, 0.13%; no homozygotes.

Submissions (9):

Labcorp Genetics (formerly Invitae), Labcorp
Classification: Benign for Cryopyrin associated periodic syndrome. Last evaluated: 2025-12-10. Review status: criteria provided, single submitter. Criteria: Invitae Variant Classification Sherloc (09022015). Collection method: clinical testing. Allele origin: germline.

Blueprint Genetics
Classification: Likely benign. Last evaluated: 2024-02-15. Review status: criteria provided, single submitter. Criteria: ACMG Guidelines, 2015. Collection method: clinical testing. Allele origin: germline.

ARUP Laboratories, Molecular Genetics and Genomics, ARUP Laboratories
Classification: Likely benign. Last evaluated: 2022-02-28. Review status: criteria provided, single submitter. Criteria: ARUP Molecular Germline Variant Investigation Process 2021. Collection method: clinical testing. Allele origin: germline.

Genome Diagnostics Laboratory, The Hospital for Sick Children
Classification: Uncertain significance for Autoinflammatory syndrome. Last evaluated: 2020-04-01. Review status: criteria provided, single submitter. Criteria: ACMG Guidelines, 2015. Collection method: clinical testing. Allele origin: germline. Affected: yes.

Illumina Laboratory Services, Illumina
Classification: Likely benign for Familial cold autoinflammatory syndrome 1. Last evaluated: 2018-01-13. Review status: criteria provided, single submitter. Criteria: ICSL Variant Classification Criteria 13 December 2019. Collection method: clinical testing. Allele origin: germline.
Comment: This variant was observed in the ICSL laboratory as part of a predisposition screen in an ostensibly healthy population. It had not been previously curated by ICSL or reported in the Human Gene Mutation Database (HGMD: prior to June 1st, 2018), and was therefore a candidate for classification through an automated scoring system. Utilizing variant allele frequency, disease prevalence and penetrance estimates, and inheritance mode, an automated score was calculated to assess if this variant is too frequent to cause the disease. Based on the score and internal cut-off values, a variant classified as likely benign is not then subjected to further curation. The score for this variant resulted in a classification of likely benign for this disease.

Illumina Laboratory Services, Illumina
Classification: Likely benign for Familial amyloid nephropathy with urticaria AND deafness. Last evaluated: 2018-01-13. Review status: criteria provided, single submitter. Criteria: ICSL Variant Classification Criteria 13 December 2019. Collection method: clinical testing. Allele origin: germline.
Comment: the same text as in the submission from Illumina Laboratory Services, Illumina above.

Illumina Laboratory Services, Illumina
Classification: Likely benign for Chronic infantile neurological, cutaneous and articular syndrome. Last evaluated: 2018-01-13. Review status: criteria provided, single submitter. Criteria: ICSL Variant Classification Criteria 13 December 2019. Collection method: clinical testing. Allele origin: germline.
Comment: the same text as in the submission from Illumina Laboratory Services, Illumina above.

GeneDx
Classification: Benign. Last evaluated: 2015-03-03. Review status: criteria provided, single submitter. Criteria: GeneDx Variant Classification Process June 2021. Collection method: clinical testing. Allele origin: germline. Affected: yes.

PreventionGenetics, part of Exact Sciences
Classification: Likely benign for NLRP3-related condition. Last evaluated: 2023-10-04. Review status: no assertion criteria provided. Collection method: clinical testing. Allele origin: germline. Not counted in ClinVar's aggregate classification.
Comment: This variant is classified as likely benign based on ACMG/AMP sequence variant interpretation guidelines (Richards et al. 2015 PMID: 25741868, with internal and published modifications).